The following is an entry in ClinVar:

NM_000263.4(NAGLU):c.193del (p.Tyr65fs)

Genes: NAGLU (N-acetyl-alpha-glucosaminidase; plus strand), LOC130060903 (ATAC-STARR-seq lymphoblastoid silent region 8533; plus strand). Cytogenetic location: 17q21.2.
Variant type: Deletion.
Coding change: c.193del on transcript NM_000263.4 (MANE Select); coding-DNA position 193, one base deleted (T; older notation c.193delT).
Protein change: p.Tyr65fs; shifts the reading frame from tyrosine 65.
Molecular consequence: frameshift variant.
Genome position (GRCh38, 1-based): chr17:42,536,465, T deleted. VCF-style (leftmost placement, unchanged base first): chr17-42536464-CT-C. GRCh37 (hg19) VCF-style: chr17-40688482-CT-C.
Other names: c.193delT (NM_000263.3); c.193del (NM_000263.3); short protein forms Y65fs.
Identifiers: ClinVar variation 555495 (VCV000555495.4), dbSNP rs1555621432, ClinGen allele CA658823941.
Genomic context (GRCh38, chr17:42,536,464, plus strand): 5'-CGCGGCCGACTTCTCCGTGTCGGTGGAGCGCGCTCTGGCTGCCAAGCCGGGCTTGGACAC[CT>C]ACAGCCTGGGCGGCGGCGGCGCGGCGCGCGTGCGGGTGCGCGGCTCCACGGGCGTGGCGG-3'

ClinVar aggregate classification (germline): Pathogenic/Likely pathogenic. Review status: criteria provided, multiple submitters, no conflicts (2 of 4 stars). 3 submissions from 3 submitters: Pathogenic (1); Likely pathogenic (1). 1 of the submissions does not count toward it. Last evaluated 2025-11-19.

Conditions:
Mucopolysaccharidosis, MPS-III-B (MPS3B). Also called: MPS III B; MUCOPOLYSACCHARIDOSIS, TYPE IIIB; N-ACETYL-ALPHA-D-GLUCOSAMINIDASE DEFICIENCY; NAGLU DEFICIENCY; SANFILIPPO SYNDROME B; Mucopolysaccharidosis type IIIB (Sanfilippo B). Identifiers: Orphanet 79270, MedGen C0086648, MONDO:0009656, OMIM 252920.
Charcot-Marie-Tooth disease axonal type 2V. Also called: CHARCOT-MARIE-TOOTH NEUROPATHY, TYPE 2V; CHARCOT-MARIE-TOOTH DISEASE, AXONAL, AUTOSOMAL DOMINANT, TYPE 2V. Identifiers: Orphanet 447964, MedGen C5569050, MONDO:0014665, OMIM 616491.

Submissions (3):

Natera, Inc.
Classification: Likely pathogenic for Mucopolysaccharidosis type IIIB. Last evaluated: 2025-11-19. Review status: criteria provided, single submitter. Criteria: Natera Variant Classification Schema (03/2026). Collection method: clinical testing. Allele origin: germline.
Comment: The c.193del variant in NAGLU is a frameshift variant predicted to shift the reading frame beginning at codon 65 and leads to a stop codon 57 codons downstream. This variant is expected to result in nonsense mediated decay, truncation, or a dysfunctional protein product. This variant is rare in the general population with a frequency below the threshold expected for the associated phenotype(s). Given the available evidence, this variant is classified as Likely Pathogenic.

Labcorp Genetics (formerly Invitae), Labcorp
Classification: Pathogenic for Charcot-Marie-Tooth disease axonal type 2V; Mucopolysaccharidosis, MPS-III-B. Last evaluated: 2025-05-04. Review status: criteria provided, single submitter. Criteria: Invitae Variant Classification Sherloc (09022015). Collection method: clinical testing. Allele origin: germline.
Comment: This sequence change creates a premature translational stop signal (p.Tyr65Thrfs*57) in the NAGLU gene. It is expected to result in an absent or disrupted protein product. Loss-of-function variants in NAGLU are known to be pathogenic (PMID: 9832037, 10094189, 16151907). This variant is not present in population databases (gnomAD no frequency). This premature translational stop signal has been observed in individual(s) with mucopolysaccharidosis type III (PMID: 11286389). ClinVar contains an entry for this variant (Variation ID: 555495). For these reasons, this variant has been classified as Pathogenic.

Counsyl
Classification: Likely pathogenic for Mucopolysaccharidosis, MPS-III-B. Last evaluated: 2017-12-15. Review status: no assertion criteria provided. Collection method: clinical testing. Allele origin: unknown. Not counted in ClinVar's aggregate classification.

Literature cited by the submitters: PubMed 9832037 (cited by Labcorp Genetics (formerly Invitae), Labcorp); PubMed 10094189 (cited by Labcorp Genetics (formerly Invitae), Labcorp); PubMed 16151907 (cited by Labcorp Genetics (formerly Invitae), Labcorp); PubMed 11286389 (cited by Labcorp Genetics (formerly Invitae), Labcorp and Counsyl).